The following is an entry in ClinVar:

NM_012203.2(GRHPR):c.916del (p.Ser306fs)

Gene: GRHPR (glyoxylate and hydroxypyruvate reductase; plus strand). Cytogenetic location: 9p13.2.
Variant type: Deletion.
Coding change: c.916del on transcript NM_012203.2 (MANE Select); coding-DNA position 916, one base deleted (T; older notation c.916delT).
Protein change: p.Ser306fs; shifts the reading frame from serine 306.
Molecular consequence: frameshift variant.
Genome position (GRCh38, 1-based): chr9:37,436,711, T deleted. VCF-style (leftmost placement, unchanged base first): chr9-37436710-GT-G. GRCh37 (hg19) VCF-style: chr9-37436707-GT-G.
Other names: short protein forms S306fs.
Identifiers: ClinVar variation 2061787 (VCV002061787.1), dbSNP rs2489258701, ClinGen allele CA2579340797.

ClinVar aggregate classification (germline): Pathogenic (1 of 4 stars; one submission).

Allele frequency attached by ClinVar (database versions not stated): gnomAD exomes below 0.00001.

Submission:

Labcorp Genetics (formerly Invitae), Labcorp
Classification: Pathogenic. Last evaluated: 2022-09-13. Review status: criteria provided, single submitter. Criteria: Invitae Variant Classification Sherloc (09022015). Collection method: clinical testing. Allele origin: germline.
Comment: This sequence change creates a premature translational stop signal (p.Ser306Profs*12) in the GRHPR gene. While this is not anticipated to result in nonsense mediated decay, it is expected to disrupt the last 23 amino acid(s) of the GRHPR protein. This variant is not present in population databases (gnomAD no frequency). This variant has not been reported in the literature in individuals affected with GRHPR-related conditions. This variant disrupts a region of the GRHPR protein in which other variant(s) (p.Met322Arg) have been determined to be pathogenic (PMID: 11030416; Invitae). This suggests that this is a clinically significant region of the protein, and that variants that disrupt it are likely to be disease-causing. For these reasons, this variant has been classified as Pathogenic.

Literature cited by the submitters: PubMed 11030416.